The following is an entry in ClinVar:

NM_001164508.2(NEB):c.2162_2163del (p.Thr721fs)

Gene: NEB (nebulin; minus strand). Cytogenetic location: 2q23.3.
Variant type: Deletion.
Coding change: c.2162_2163del on transcript NM_001164508.2 (MANE Select); coding-DNA positions 2162 to 2163, 2 bases deleted (CA; older notation c.2162_2163delCA).
Protein change: p.Thr721fs; shifts the reading frame from threonine 721.
Molecular consequence: frameshift variant.
Genome position (GRCh38, 1-based): chr2:151,691,912-151,691,913, TG deleted on the plus strand (CA on the coding strand, the reverse complement: NEB is on the minus strand); deleting any 2 consecutive bases within chr2:151,691,912-151,691,914 gives the same sequence; the c. name uses the placement nearest the transcript's 3' end. VCF-style (leftmost placement, unchanged base first): chr2-151691911-TTG-T. GRCh37 (hg19) VCF-style: chr2-152548425-TTG-T.
Other names: c.2162_2163del, p.Thr721fs (NM_001164507.2, NM_001271208.2, NM_004543.5); short protein forms T721fs.
Identifiers: ClinVar variation 5014623 (VCV005014623.1).

ClinVar aggregate classification (germline): Pathogenic (1 of 4 stars; one submission).

Conditions:
Nemaline myopathy 2 (NEM2). Also called: Nemaline myopathy 2, autosomal recessive. Identifiers: MedGen C1850569, MONDO:0009725, OMIM 256030.

Submission:

Myriad Genetics, Inc.
Classification: Pathogenic for Nemaline myopathy 2. Last evaluated: 2025-06-20. Review status: criteria provided, single submitter. Criteria: Myriad Autosomal Dominant, Autosomal Recessive and X-Linked Classification Criteria (2023). Collection method: clinical testing. Allele origin: unknown.
Comment: NM_001271208.1(NEB):c.2162_2163delCA(T721Nfs*6) is expected to be pathogenic in the context of NEB-related nemaline myopathy. This variant is predicted to lead to an abnormal or absent protein product due to the creation of a premature termination codon in NEB, a gene where loss-of-function variants are known to be pathogenic. Please note: this variant was assessed in the context of healthy population screening.